The following is an entry in ClinVar:

ClinVar aggregate classification (germline): Uncertain significance. Review status: criteria provided, multiple submitters, no conflicts (2 of 4 stars). 2 submissions from 2 submitters: Uncertain significance (2). Last evaluated 2025-04-09.

Conditions:
Intellectual disability. Also called: Intellectual functioning disability; intellectual disabilities; Intellectual developmental disorder. Identifiers: MedGen C3714756, MeSH D008607, MONDO:0001071, HP:0001249.

gnomAD v4.1: 26 of 1,614,004 alleles (0.0016%); highest among the groups gnomAD compares: Non-Finnish European, 0.0019%; no homozygotes.

Submissions (2):

Labcorp Genetics (formerly Invitae), Labcorp
Classification: Uncertain significance. Last evaluated: 2025-04-09. Review status: criteria provided, single submitter. Criteria: Invitae Variant Classification Sherloc (09022015). Collection method: clinical testing. Allele origin: germline.
Comment: This sequence change replaces serine, which is neutral and polar, with glycine, which is neutral and non-polar, at codon 3116 of the KMT2A protein (p.Ser3116Gly). This variant is present in population databases (rs782745599, gnomAD 0.002%). This variant has not been reported in the literature in individuals affected with KMT2A-related conditions. Invitae Evidence Modeling of protein sequence and biophysical properties (such as structural, functional, and spatial information, amino acid conservation, physicochemical variation, residue mobility, and thermodynamic stability) indicates that this missense variant is not expected to disrupt KMT2A protein function with a negative predictive value of 95%. In summary, the available evidence is currently insufficient to determine the role of this variant in disease. Therefore, it has been classified as a Variant of Uncertain Significance.

Cambridge Genomics Laboratory, East Genomic Laboratory Hub, NHS Genomic Medicine Service
Classification: Uncertain significance for Intellectual disability. Last evaluated: 2020-04-21. Review status: criteria provided, single submitter. Criteria: ACGS Best Practice Guidelines for Variant Classification in Rare Disease 2020. Collection method: clinical testing. Allele origin: germline. Affected: yes. Observed: 1 variant allele.

NM_001197104.2(KMT2A):c.9346A>G (p.Ser3116Gly)

Gene: KMT2A (lysine methyltransferase 2A; plus strand). Cytogenetic location: 11q23.3.
Variant type: single nucleotide variant.
Coding change: c.9346A>G on transcript NM_001197104.2 (MANE Select); coding-DNA position 9346, A replaced by G.
Protein change: p.Ser3116Gly; replaces serine 3116 with glycine.
Molecular consequence: missense variant.
Genome position (GRCh38, 1-based): chr11:118,505,238, A>G. VCF-style: chr11-118505238-A-G. GRCh37 (hg19) VCF-style: chr11-118375953-A-G.
Other names: c.9436A>G, p.Ser3146Gly (NM_001412597.1); c.9337A>G, p.Ser3113Gly (NM_005933.4); short protein forms S3113G, S3116G, S3146G.
Identifiers: ClinVar variation 4075051 (VCV004075051.2).